The following is an entry in ClinVar:

NM_004612.4(TGFBR1):c.1488T>A (p.Ser496Arg)

Gene: TGFBR1 (transforming growth factor beta receptor 1; plus strand). Cytogenetic location: 9q22.33.
Variant type: single nucleotide variant.
Coding change: c.1488T>A on transcript NM_004612.4 (MANE Select); coding-DNA position 1488, T replaced by A.
Protein change: p.Ser496Arg; replaces serine 496 with arginine.
Molecular consequence: missense variant.
Genome position (GRCh38, 1-based): chr9:99,149,281, T>A. VCF-style: chr9-99149281-T-A. GRCh37 (hg19) VCF-style: chr9-101911563-T-A.
Other names: c.1500T>A, p.Ser500Arg (NM_001306210.2); c.1332T>A, p.Ser444Arg (NM_001407416.1); c.1320T>A, p.Ser440Arg (NM_001407417.1); c.1293T>A, p.Ser431Arg (NM_001407418.1, NM_001407419.1, NM_001407420.1 and 1 more transcripts); c.1281T>A, p.Ser427Arg (NM_001407423.1, NM_001407424.1, NM_001407425.1 and 8 more transcripts); c.1257T>A, p.Ser419Arg (NM_001130916.3, NM_001407435.1); c.1242T>A, p.Ser414Arg (NM_001407436.1); c.780T>A, p.Ser260Arg (NM_001407437.1); and 1 more; short protein forms S260R, S337R, S414R, S419R, S427R, S431R, S440R, S444R.
Identifiers: ClinVar variation 1709640 (VCV001709640.2), dbSNP rs1394341348, ClinGen allele CA374233820.

ClinVar aggregate classification (germline): Uncertain significance (1 of 4 stars; one submission).

Conditions:
Loeys-Dietz syndrome 1 (LDS1). Also called: TGFBR1-Related Loeys-Dietz Syndrome; AORTIC ANEURYSM, FAMILIAL THORACIC 5; FURLONG SYNDROME. Identifiers: Orphanet 60030, MedGen C4551955, MONDO:0012212, OMIM 609192.

Submission:

MGZ Medical Genetics Center
Classification: Uncertain significance for Loeys-Dietz syndrome 1. Last evaluated: 2022-07-18. Review status: criteria provided, single submitter. Criteria: ACMG Guidelines, 2015. Collection method: clinical testing. Allele origin: germline. Affected: yes. Observed: 1 variant allele.
Comment: ACMG criteria applied: PM2_SUP